The following is an entry in ClinVar:

ClinVar aggregate classification (germline): Pathogenic (1 of 4 stars; one submission).

Conditions:
Treacher Collins syndrome 1 (TCS1). Also called: TCOF1-Related Treacher Collins Syndrome. Identifiers: Orphanet 861, MedGen CN315775, MONDO:0007944, OMIM 154500.

Submission:

Labcorp Genetics (formerly Invitae), Labcorp
Classification: Pathogenic for Treacher Collins syndrome 1. Last evaluated: 2022-04-10. Review status: criteria provided, single submitter. Criteria: Invitae Variant Classification Sherloc (09022015). Collection method: clinical testing. Allele origin: germline.
Comment: This sequence change creates a premature translational stop signal (p.Glu944Glyfs*13) in the TCOF1 gene. It is expected to result in an absent or disrupted protein product. Loss-of-function variants in TCOF1 are known to be pathogenic (PMID: 8894686, 22317976). This variant is not present in population databases (gnomAD no frequency). This variant has not been reported in the literature in individuals affected with TCOF1-related conditions. For these reasons, this variant has been classified as Pathogenic.

Literature cited by the submitters: PubMed 8894686; PubMed 22317976.

NM_001371623.1(TCOF1):c.2830dup (p.Glu944fs)

Gene: TCOF1 (treacle ribosome biogenesis factor 1; plus strand). Cytogenetic location: 5q32.
Variant type: Duplication.
Coding change: c.2830dup on transcript NM_001371623.1 (MANE Select); coding-DNA position 2830, one base duplicated (G; older notation c.2830dupG).
Protein change: p.Glu944fs; shifts the reading frame from glutamic acid 944.
Molecular consequence: frameshift variant.
Genome position (GRCh38, 1-based): chr5:150,379,703, G duplicated; the last of 4 consecutive G bases (chr5:150,379,700-150,379,703); duplicating any one gives the same sequence. VCF-style (leftmost placement, unchanged base first): chr5-150379699-T-TG. GRCh37 (hg19) VCF-style: chr5-149759262-T-TG.
Other names: c.2599dup, p.Glu867fs (NM_000356.4, NM_001135245.2); c.2830dup, p.Glu944fs (NM_001008657.3, NM_001135243.2, NM_001135244.2 and 1 more transcripts); short protein forms E867fs, E944fs.
Identifiers: ClinVar variation 2124367 (VCV002124367.4), dbSNP rs2533700327, ClinGen allele CA2580073883.